The following is an entry in ClinVar:

NM_001142800.2(EYS):c.6192-1G>A

Gene: EYS (EGF-like photoreceptor maintenance factor; minus strand). Cytogenetic location: 6q12.
Variant type: single nucleotide variant.
Coding change: c.6192-1G>A on transcript NM_001142800.2 (MANE Select); the canonical splice acceptor site of the intron before coding-DNA position 6192, G replaced by A.
Molecular consequence: splice acceptor variant.
Genome position (GRCh38, 1-based): chr6:64,230,825, C>T on the plus strand (G>A on the coding strand, the complement: EYS is on the minus strand). VCF-style: chr6-64230825-C-T. GRCh37 (hg19) VCF-style: chr6-64940718-C-T.
Other names: c.6192-1G>A (NM_001292009.2).
Identifiers: ClinVar variation 2675266 (VCV002675266.7), dbSNP rs570020451, ClinGen allele CA364391646.
Genomic context (GRCh38, chr6:64,230,825, plus strand): 5'-TGTGTCACATCAGAAGCATCAACAAAGGAGGCTGTTGGAGACAGCATAAATCCCTGGGAT[C>T]TGTGATTTATAAACAGACAAGAAAACAAAATATAAGTAAAAGCACTAGGAACATAAATAG-3'

ClinVar aggregate classification (germline): Pathogenic/Likely pathogenic. Review status: criteria provided, multiple submitters, no conflicts (2 of 4 stars). 5 submissions from 5 submitters: Pathogenic (3); Likely pathogenic (2). Last evaluated 2025-04-11.

Conditions:
Retinitis pigmentosa 25 (RP25). Identifiers: Orphanet 791, MedGen C1864446, MONDO:0011272, OMIM 602772.
EYS-related disorder. Also called: EYS-related condition.

gnomAD v4.1: 3 of 1,525,808 alleles (0.0002%); highest among the groups gnomAD compares: South Asian, 0.0024%; no homozygotes.

Submissions (5):

Myriad Genetics, Inc.
Classification: Pathogenic for Retinitis pigmentosa 25. Last evaluated: 2025-04-11. Review status: criteria provided, single submitter. Criteria: Myriad Autosomal Dominant, Autosomal Recessive and X-Linked Classification Criteria (2023). Collection method: clinical testing. Allele origin: unknown.
Comment: NM_001142800.1(EYS):c.6192-1G>A is a variant in a canonical splice site classified as pathogenic in the context of retinitis pigmentosa, EYS-related. c.6192-1G>A has been observed in cases with relevant disease (PMID: 38219857, 37648803). Relevant functional assessments of this variant are not available in the literature. c.6192-1G>A has not been observed in referenced population frequency databases. In summary, NM_001142800.1(EYS):c.6192-1G>A is a variant in a canonical splice site in a gene where loss of function is a known mechanism of disease, is predicted to disrupt protein function, and has been observed more frequently in cases with the relevant disease than in healthy populations. Please note: this variant was assessed in the context of healthy population screening.

Fulgent Genetics
Classification: Pathogenic for Retinitis pigmentosa 25. Last evaluated: 2024-04-13. Review status: criteria provided, single submitter. Criteria: ACMG Guidelines, 2015. Collection method: clinical testing. Allele origin: germline.

Baylor Genetics
Classification: Likely pathogenic for Retinitis pigmentosa 25. Last evaluated: 2023-07-21. Review status: criteria provided, single submitter. Criteria: ACMG Guidelines, 2015. Collection method: clinical testing. Allele origin: unknown.

Labcorp Genetics (formerly Invitae), Labcorp
Classification: Likely pathogenic. Last evaluated: 2023-03-04. Review status: criteria provided, single submitter. Criteria: Invitae Variant Classification Sherloc (09022015). Collection method: clinical testing. Allele origin: germline.
Comment: In summary, the currently available evidence indicates that the variant is pathogenic, but additional data are needed to prove that conclusively. Therefore, this variant has been classified as Likely Pathogenic. Algorithms developed to predict the effect of sequence changes on RNA splicing suggest that this variant may disrupt the consensus splice site. This variant has not been reported in the literature in individuals affected with EYS-related conditions. This variant is not present in population databases (gnomAD no frequency). This sequence change affects an acceptor splice site in intron 30 of the EYS gene. It is expected to disrupt RNA splicing. Variants that disrupt the donor or acceptor splice site typically lead to a loss of protein function (PMID: 16199547), and loss-of-function variants in EYS are known to be pathogenic (PMID: 18836446, 20333770).

Blueprint Genetics
Classification: Pathogenic for EYS-related disorders. Last evaluated: 2021-12-31. Review status: criteria provided, single submitter. Criteria: ACMG Guidelines, 2015. Collection method: clinical testing. Allele origin: germline. Affected: yes. Observed: 3 variant alleles.

Literature cited by the submitters: PubMed 37648803 (cited by Myriad Genetics, Inc.); PubMed 38219857 (cited by Myriad Genetics, Inc.); PubMed 16199547 (cited by Labcorp Genetics (formerly Invitae), Labcorp); PubMed 18836446 (cited by Labcorp Genetics (formerly Invitae), Labcorp); PubMed 20333770 (cited by Labcorp Genetics (formerly Invitae), Labcorp).